The following is an entry in ClinVar:

NM_000021.4(PSEN1):c.808_810dup (p.Met270_Leu271insMet)

Gene: PSEN1 (presenilin 1; plus strand). Cytogenetic location: 14q24.2.
Variant type: Duplication.
Coding change: c.808_810dup on transcript NM_000021.4 (MANE Select); coding-DNA positions 808 to 810, 3 bases duplicated (ATG; older notation c.808_810dupATG).
Protein change: p.Met270_Leu271insMet.
Molecular consequence: inframe insertion.
Genome position (GRCh38, 1-based): chr14:73,198,069-73,198,071, ATG duplicated. VCF-style (leftmost placement, unchanged base first): chr14-73198068-T-TATG. GRCh37 (hg19) VCF-style: chr14-73664776-T-TATG.
Other names: c.796_798dup, p.Met266_Leu267insMet (NM_007318.3).
Identifiers: ClinVar variation 1967143 (VCV001967143.5), dbSNP rs2502958496, ClinGen allele CA2580088695.
Genomic context (GRCh38, chr14:73,198,068, plus strand): 5'-CTTTTATGTTTTTCTTTTTCTAGATTTAGTGGCTGTTTTGTGTCCGAAAGGTCCACTTCG[T>TATG]ATGCTGGTTGAAACAGCTCAGGAGAGAAATGAAACGCTTTTTCCAGCTCTCATTTACTCC-3'

ClinVar aggregate classification (germline): Uncertain significance (1 of 4 stars; one submission).

Conditions:
Alzheimer disease 3 (AD3). Also called: ALZHEIMER DISEASE, FAMILIAL, 3. Identifiers: Orphanet 1020, MedGen C1843013, MONDO:0011913, OMIM 607822.
Acne inversa, familial, 3 (ACNINV3). Identifiers: MedGen C3151038, MONDO:0013398, OMIM 613737.
Pick disease. Also called: PICK DISEASE OF BRAIN; Pick Disease of the Brain; DEMENTIA WITH LOBAR ATROPHY AND NEURONAL CYTOPLASMIC INCLUSIONS; LOBAR ATROPHY OF BRAIN; Pick's disease. Identifiers: Orphanet 282, MedGen C0236642, MONDO:0008243, OMIM 172700.
Frontotemporal dementia (FTD1). Also called: WILHELMSEN-LYNCH DISEASE; Frontotemporal lobe dementia (FLDEM); Dementia, frontotemporal, with or without parkinsonism; Frontotemporal Dementia with Parkinsonism-17 (FTDP-17); FRONTOTEMPORAL DEMENTIA WITH PARKINSONISM; FRONTOTEMPORAL LOBE DEMENTIA. Identifiers: Orphanet 282, MedGen C0338451, MONDO:0017276, OMIM 600274, HP:0002145.

Submission:

Labcorp Genetics (formerly Invitae), Labcorp
Classification: Uncertain significance for Alzheimer disease 3; Pick disease; Acne inversa, familial, 3; Frontotemporal dementia. Last evaluated: 2022-01-16. Review status: criteria provided, single submitter. Criteria: Invitae Variant Classification Sherloc (09022015). Collection method: clinical testing. Allele origin: germline.
Comment: This variant is not present in population databases (gnomAD no frequency). This variant, c.808_810dup, results in the insertion of 1 amino acid(s) of the PSEN1 protein (p.Met270dup), but otherwise preserves the integrity of the reading frame. This variant has not been reported in the literature in individuals affected with PSEN1-related conditions. In summary, the available evidence is currently insufficient to determine the role of this variant in disease. Therefore, it has been classified as a Variant of Uncertain Significance.